The following is an entry in ClinVar:

NM_005051.3(QARS1):c.2114C>A (p.Thr705Asn)

Gene: QARS1 (glutaminyl-tRNA synthetase 1; minus strand). Cytogenetic location: 3p21.31.
Variant type: single nucleotide variant.
Coding change: c.2114C>A on transcript NM_005051.3 (MANE Select); coding-DNA position 2114, C replaced by A.
Protein change: p.Thr705Asn; replaces threonine 705 with asparagine.
Molecular consequence: missense variant. On other transcripts: non-coding transcript variant (1).
Genome position (GRCh38, 1-based): chr3:49,098,229, G>T on the plus strand (C>A on the coding strand, the complement: QARS1 is on the minus strand). VCF-style: chr3-49098229-G-T. GRCh37 (hg19) VCF-style: chr3-49135662-G-T.
Other names: c.2081C>A, p.Thr694Asn (NM_001272073.2); short protein forms T705N, T694N.
Identifiers: ClinVar variation 1996732 (VCV001996732.4), dbSNP rs2471843158, ClinGen allele CA352698324.
Genomic context (GRCh38, chr3:49,098,229, plus strand): 5'-CACCCCAAACCTCATGAACCTACCAGGTTCAGGTCACTTAAAAATCCACCAGGCACCTCA[G>T]TAGGATCTTCAGGGTTCTTGTGCTGGAATCTGCAGCCAAAGTGAAGGTCATACCCCCAGC-3'
Protein context (NP_005042.1, residues 695-715): LFQHKNPEDP[Thr705Asn]EVPGGFLSDL

ClinVar aggregate classification (germline): Uncertain significance (1 of 4 stars; one submission).

Conditions:
Diffuse cerebral and cerebellar atrophy - intractable seizures - progressive microcephaly syndrome. Also called: Microcephaly, progressive, with seizures and cerebral and cerebellar atrophy. Identifiers: Orphanet 404437, MedGen C4014239, MONDO:0014335, OMIM 615760.

Submission:

Labcorp Genetics (formerly Invitae), Labcorp
Classification: Uncertain significance for Diffuse cerebral and cerebellar atrophy - intractable seizures - progressive microcephaly syndrome. Last evaluated: 2022-06-05. Review status: criteria provided, single submitter. Criteria: Invitae Variant Classification Sherloc (09022015). Collection method: clinical testing. Allele origin: germline.
Comment: This variant is not present in population databases (gnomAD no frequency). This variant has not been reported in the literature in individuals affected with QARS-related conditions. Algorithms developed to predict the effect of missense changes on protein structure and function (SIFT, PolyPhen-2, Align-GVGD) all suggest that this variant is likely to be tolerated. In summary, the available evidence is currently insufficient to determine the role of this variant in disease. Therefore, it has been classified as a Variant of Uncertain Significance. This sequence change replaces threonine, which is neutral and polar, with asparagine, which is neutral and polar, at codon 705 of the QARS protein (p.Thr705Asn).